The following is an entry in ClinVar:

ClinVar aggregate classification (germline): Uncertain significance (1 of 4 stars; one submission).

gnomAD v4.1: 8 of 1,614,084 alleles (0.0005%); highest among the groups gnomAD compares: Non-Finnish European, 0.00068%; no homozygotes.

Submission:

Labcorp Genetics (formerly Invitae), Labcorp
Classification: Uncertain significance. Last evaluated: 2025-08-25. Review status: criteria provided, single submitter. Criteria: Invitae Variant Classification Sherloc (09022015). Collection method: clinical testing. Allele origin: germline.
Comment: This sequence change replaces arginine, which is basic and polar, with leucine, which is neutral and non-polar, at codon 1623 of the ALPK3 protein (p.Arg1623Leu). This variant is present in population databases (rs770717324, gnomAD 0.0009%). This variant has not been reported in the literature in individuals affected with ALPK3-related conditions. ClinVar contains an entry for this variant (Variation ID: 2037575). Invitae Evidence Modeling of protein sequence and biophysical properties (such as structural, functional, and spatial information, amino acid conservation, physicochemical variation, residue mobility, and thermodynamic stability) indicates that this missense variant is expected to disrupt ALPK3 protein function with a positive predictive value of 80%. In summary, the available evidence is currently insufficient to determine the role of this variant in disease. Therefore, it has been classified as a Variant of Uncertain Significance.

NM_020778.5(ALPK3):c.4262G>T (p.Arg1421Leu)

Gene: ALPK3 (alpha kinase 3; plus strand). Cytogenetic location: 15q25.3.
Variant type: single nucleotide variant.
Coding change: c.4262G>T on transcript NM_020778.5 (MANE Select); coding-DNA position 4262, G replaced by T.
Protein change: p.Arg1421Leu; replaces arginine 1421 with leucine.
Molecular consequence: missense variant.
Genome position (GRCh38, 1-based): chr15:84,862,767, G>T. VCF-style: chr15-84862767-G-T. GRCh37 (hg19) VCF-style: chr15-85405998-G-T.
Other names: short protein forms R1421L.
Identifiers: ClinVar variation 2037575 (VCV002037575.4), dbSNP rs770717324, ClinGen allele CA273631357.